The following is an entry in ClinVar:

ClinVar aggregate classification (germline): Conflicting classifications of pathogenicity. Review status: criteria provided, conflicting classifications (1 of 4 stars). 2 submissions from 2 submitters: Pathogenic (1); Uncertain significance (1). Last evaluated 2022-03-02.

Conditions:
Epidermolysis bullosa dystrophica. Also called: Dystrophic epidermolysis bullosa, Hallopeau-Siemens type (formerly); Dystrophic epidermolysis bullosa. Identifiers: Orphanet 303, MedGen C0079294, MONDO:0006543.

Allele frequency attached by ClinVar (database versions not stated): gnomAD 0.00001; TOPMed 0.00002; ExAC 0.00003; gnomAD exomes 0.00003; ESP Exome Variant Server 0.00008.
gnomAD v4.1: 40 of 1,612,124 alleles (0.0025%); highest among the groups gnomAD compares: Non-Finnish European, 0.0029%; no homozygotes.

Submissions (2):

GeneDx
Classification: Uncertain significance. Last evaluated: 2022-03-02. Review status: criteria provided, single submitter. Criteria: GeneDx Variant Classification Process June 2021. Collection method: clinical testing. Allele origin: germline. Affected: yes.
Comment: In silico analysis suggests this variant may impact gene splicing. In the absence of RNA/functional studies, the actual effect of this sequence change is unknown.; This variant is associated with the following publications: (PMID: 34543471)

Biomedical Innovation Departament, CIEMAT
Classification: Pathogenic for Dystrophic epidermolysis bullosa. Last evaluated: 2019-03-15. Review status: criteria provided, single submitter. Criteria: ACMG Guidelines, 2015. Collection method: research. Allele origin: germline. Affected: yes. Observed: 1 variant allele.

NM_000094.4(COL7A1):c.4899+31G>A

Gene: COL7A1 (collagen type VII alpha 1 chain; minus strand). Cytogenetic location: 3p21.31.
Variant type: single nucleotide variant.
Coding change: c.4899+31G>A on transcript NM_000094.4 (MANE Select); 31 bases into the intron after coding-DNA position 4899, G replaced by A.
Molecular consequence: intron variant.
Genome position (GRCh38, 1-based): chr3:48,581,229, C>T on the plus strand (G>A on the coding strand, the complement: COL7A1 is on the minus strand). VCF-style: chr3-48581229-C-T. GRCh37 (hg19) VCF-style: chr3-48618662-C-T.
Identifiers: ClinVar variation 1048038 (VCV001048038.6), dbSNP rs370500985, ClinGen allele CA2379791.